The following is an entry in ClinVar:

ClinVar aggregate classification (germline): Uncertain significance (1 of 4 stars; one submission).

Conditions:
Inborn genetic diseases. Identifiers: MedGen C0950123, MeSH D030342.

Submission:

Ambry Genetics
Classification: Uncertain significance for Inborn genetic diseases. Last evaluated: 2024-11-16. Review status: criteria provided, single submitter. Criteria: Ambry Variant Classification Scheme 2023. Collection method: clinical testing. Allele origin: germline.
Comment: The p.N74H variant (also known as c.220A>C), located in coding exon 1 of the ACD gene, results from an A to C substitution at nucleotide position 220. The asparagine at codon 74 is replaced by histidine, an amino acid with similar properties. This amino acid position is conserved. In addition, this alteration is predicted to be tolerated by in silico analysis. Based on the available evidence, the clinical significance of this variant remains unclear.

NM_001082486.2(ACD):c.-39A>C

Gene: ACD (ACD shelterin complex subunit and telomerase recruitment factor; minus strand). Cytogenetic location: 16q22.1.
Variant type: single nucleotide variant.
Coding change: c.-39A>C on transcript NM_001082486.2 (MANE Select); 39 bases upstream of the start codon, A replaced by C.
Molecular consequence: 5 prime UTR variant.
Genome position (GRCh38, 1-based): chr16:67,660,259, T>G on the plus strand (A>C on the coding strand, the complement: ACD is on the minus strand). VCF-style: chr16-67660259-T-G. GRCh37 (hg19) VCF-style: chr16-67694162-T-G.
Other names: c.-39A>C (NM_001410884.1, NM_022914.3).
Identifiers: ClinVar variation 3480564 (VCV003480564.1).